The following is an entry in ClinVar:

ClinVar aggregate classification (germline): Likely benign (1 of 4 stars; one submission).

gnomAD v4.1: 959 of 1,540,906 alleles (0.062%); highest among the groups gnomAD compares: African/African-American, 1.1%; 8 homozygotes.

Submission:

CeGaT Center for Human Genetics Tuebingen
Classification: Likely benign. Last evaluated: 2026-09-01. Review status: criteria provided, single submitter. Criteria: CeGaT Center For Human Genetics Tuebingen Variant Classification Criteria Version 2. Collection method: clinical testing. Allele origin: germline. Affected: yes. Observed: 1 variant allele.
Comment: NAA60: BP4, BP7, BS1

NM_001083601.3(NAA60):c.*79T>C

Gene: NAA60 (N-alpha-acetyltransferase 60, NatF catalytic subunit; plus strand). Cytogenetic location: 16p13.3.
Variant type: single nucleotide variant.
Coding change: c.*79T>C on transcript NM_001083601.3 (MANE Select); 79 bases downstream of the stop codon, T replaced by C.
Molecular consequence: 3 prime UTR variant. On other transcripts: synonymous variant (2).
Genome position (GRCh38, 1-based): chr16:3,484,934, T>C. VCF-style: chr16-3484934-T-C. GRCh37 (hg19) VCF-style: chr16-3534934-T-C.
Other names: c.*79T>C (NM_001083600.3, NM_001317093.1, NM_001317094.2 and 2 more transcripts); c.*8T>C (NM_001317096.2); c.510T>C, p.Ser170= (NM_001317097.2, NM_001317098.2).
Identifiers: ClinVar variation 5041020 (VCV005041020.1).